The following is an entry in ClinVar:

ClinVar aggregate classification (germline): Likely pathogenic. Review status: criteria provided, multiple submitters, no conflicts (2 of 4 stars). 3 submissions from 3 submitters: Likely pathogenic (2). 1 of the submissions does not count toward it. Last evaluated 2025-05-01.

Conditions:
Bartter disease type 1. Also called: HYPERPROSTAGLANDIN E SYNDROME 1; Bartter syndrome, type 1, antenatal; Bartter Syndrome type 1; HYPOKALEMIC ALKALOSIS WITH HYPERCALCIURIA 1, ANTENATAL. Identifiers: Orphanet 112, Orphanet 620217, MedGen C1866495, MONDO:0100344, OMIM 601678, MONDO:0011127.
Kidney stone. Also called: Nephrolithiasis. Identifiers: MedGen C0392525, MONDO:0008171, HP:0000787.
Nephrocalcinosis. Also called: Hypercalcemic nephropathy. Identifiers: MedGen C0027709, MONDO:0001567, HP:0000121.

Submissions (3):

Rare Kidney Stone Consortium and the Mayo Clinic Hyperoxaluria Center, Mayo Clinic
Classification: Likely pathogenic for Bartter disease type 1. Last evaluated: 2025-05-01. Review status: criteria provided, single submitter. Criteria: ACMG Guidelines, 2015. Collection method: research. Allele origin: germline. Affected: yes.
Comment: ACMG: PS1, PM2, PP3, PP4

Fulgent Genetics
Classification: Likely pathogenic for Bartter disease type 1. Last evaluated: 2024-02-13. Review status: criteria provided, single submitter. Criteria: ACMG Guidelines, 2015. Collection method: clinical testing. Allele origin: germline.

Yale Center for Mendelian Genomics, Yale University
Classification: Likely pathogenic for Nephrolithiasis; Nephrocalcinosis. Last evaluated: 2017-09-08. Review status: no assertion criteria provided. Collection method: literature only. Allele origin: germline. Affected: yes. Observed: 1 compound heterozygote. Not counted in ClinVar's aggregate classification.

Literature cited by the submitters: PubMed 34805638 (cited by Rare Kidney Stone Consortium and the Mayo Clinic Hyperoxaluria Center, Mayo Clinic); PubMed 28893421 (cited by Rare Kidney Stone Consortium and the Mayo Clinic Hyperoxaluria Center, Mayo Clinic and Yale Center for Mendelian Genomics, Yale University).

NM_000338.3(SLC12A1):c.1424G>A (p.Cys475Tyr)

Gene: SLC12A1 (solute carrier family 12 member 1; plus strand). Cytogenetic location: 15q21.1.
Variant type: single nucleotide variant.
Coding change: c.1424G>A on transcript NM_000338.3 (MANE Select); coding-DNA position 1424, G replaced by A.
Protein change: p.Cys475Tyr; replaces cysteine 475 with tyrosine.
Molecular consequence: missense variant.
Genome position (GRCh38, 1-based): chr15:48,244,876, G>A. VCF-style: chr15-48244876-G-A. GRCh37 (hg19) VCF-style: chr15-48537073-G-A.
Other names: c.1424G>A, p.Cys475Tyr (NM_001184832.2); short protein forms C475Y.
Identifiers: ClinVar variation 548676 (VCV000548676.3), dbSNP rs1555466999, ClinGen allele CA392310776.
Genomic context (GRCh38, chr15:48,244,876, plus strand): 5'-GCAATGGTTCAGCAGCATGTGGGTTGGGCTATGACTTCTCAAGATGTCGACATGAACCAT[G>A]TCAGTACGGGCTGATGAACAATTTCCAGGTTTGAAGCAAAATTCAAAAATGTTCACTGCT-3'
Protein context (NP_000329.2, residues 465-485): YDFSRCRHEP[Cys475Tyr]QYGLMNNFQV